The following is an entry in ClinVar:

NM_022124.6(CDH23):c.8534G>A (p.Arg2845His)

Gene: CDH23 (cadherin related 23; plus strand). Cytogenetic location: 10q22.1.
Variant type: single nucleotide variant.
Coding change: c.8534G>A on transcript NM_022124.6 (MANE Select); coding-DNA position 8534, G replaced by A.
Protein change: p.Arg2845His; replaces arginine 2845 with histidine.
Molecular consequence: missense variant.
Genome position (GRCh38, 1-based): chr10:71,807,741, G>A. VCF-style: chr10-71807741-G-A. GRCh37 (hg19) VCF-style: chr10-73567498-G-A.
Other names: c.1814G>A, p.Arg605His (NM_001171933.1, NM_001171934.1); short protein forms R2845H, R605H.
Identifiers: ClinVar variation 179385 (VCV000179385.33), dbSNP rs199668532, ClinGen allele CA184318.

ClinVar aggregate classification (germline): Uncertain significance. Review status: criteria provided, multiple submitters, no conflicts (2 of 4 stars). 7 submissions from 7 submitters: Uncertain significance (6). 1 of the submissions does not count toward it. Last evaluated 2026-07-01.

Conditions:
Inborn genetic diseases. Identifiers: MedGen C0950123, MeSH D030342.
Usher syndrome type 1 (USH1). Also called: RETINITIS PIGMENTOSA AND CONGENITAL DEAFNESS. Identifiers: Orphanet 231169, Orphanet 886, MedGen C1568247, MONDO:0010168, OMIM 276900.
Hearing impairment. Also called: Impaired Hearing. Identifiers: MedGen C1384666, MONDO:0005365, HP:0000365.

Allele frequency attached by ClinVar (database versions not stated): TOPMed 0.00006; gnomAD 0.00008 and 0.00009.
gnomAD v4.1: 179 of 1,606,246 alleles (0.011%); highest among the groups gnomAD compares: Middle Eastern, 0.016%; no homozygotes.

Submissions (7):

CeGaT Center for Human Genetics Tuebingen
Classification: Uncertain significance. Last evaluated: 2026-07-01. Review status: criteria provided, single submitter. Criteria: CeGaT Center For Human Genetics Tuebingen Variant Classification Criteria Version 2. Collection method: clinical testing. Allele origin: germline. Affected: yes. Observed: 2 variant alleles.
Comment: CDH23: PM2, BP4

Labcorp Genetics (formerly Invitae), Labcorp
Classification: Uncertain significance. Last evaluated: 2024-11-18. Review status: criteria provided, single submitter. Criteria: Invitae Variant Classification Sherloc (09022015). Collection method: clinical testing. Allele origin: germline.
Comment: This sequence change replaces arginine, which is basic and polar, with histidine, which is basic and polar, at codon 2845 of the CDH23 protein (p.Arg2845His). This variant is present in population databases (rs199668532, gnomAD 0.005%). This variant has not been reported in the literature in individuals affected with CDH23-related conditions. ClinVar contains an entry for this variant (Variation ID: 179385). Invitae Evidence Modeling of protein sequence and biophysical properties (such as structural, functional, and spatial information, amino acid conservation, physicochemical variation, residue mobility, and thermodynamic stability) has been performed for this missense variant. However, the output from this modeling did not meet the statistical confidence thresholds required to predict the impact of this variant on CDH23 protein function. In summary, the available evidence is currently insufficient to determine the role of this variant in disease. Therefore, it has been classified as a Variant of Uncertain Significance.

Blueprint Genetics
Classification: Uncertain significance. Last evaluated: 2024-11-14. Review status: criteria provided, single submitter. Criteria: ACMG Guidelines, 2015. Collection method: clinical testing. Allele origin: germline.

Ambry Genetics
Classification: Uncertain significance for Inborn genetic diseases. Last evaluated: 2024-02-21. Review status: criteria provided, single submitter. Criteria: Ambry Variant Classification Scheme 2023. Collection method: clinical testing. Allele origin: germline.

Department of Otolaryngology – Head & Neck Surgery, Cochlear Implant Center
Classification: Uncertain significance for Hearing impairment. Last evaluated: 2021-04-12. Review status: criteria provided, single submitter. Criteria: ClinGen HL ACMG Specifications v1. Collection method: clinical testing. Allele origin: germline. Affected: yes.
Comment: PM2_Moderate, PP3_Supporting

Laboratory for Molecular Medicine, Mass General Brigham Personalized Medicine
Classification: Uncertain significance. Last evaluated: 2013-11-22. Review status: criteria provided, single submitter. Criteria: LMM Criteria. Collection method: clinical testing. Allele origin: germline. Observed: 1 variant allele.
Comment: The Arg2845His variant in CDH23 has not been previously reported in individuals with hearing loss but has been reported in 1/1152 (0.2%) chromosomes from a broa d population by the CLINSEQ project (dbSNP rs199668532). Computational analyses (biochemical amino acid properties, conservation, AlignGVGD, PolyPhen2, and SIFT ) do not provide strong support for or against an impact to the protein. In summ ary, additional data is needed to determine the clinical significance of this va riant.

Natera, Inc.
Classification: Uncertain significance for Usher syndrome type 1. Last evaluated: 2020-04-17. Review status: no assertion criteria provided. Collection method: clinical testing. Allele origin: germline. Not counted in ClinVar's aggregate classification.